The following is an entry in ClinVar:

NM_144997.7(FLCN):c.1177-9C>T

Gene: FLCN (folliculin; minus strand). Cytogenetic location: 17p11.2.
Variant type: single nucleotide variant.
Coding change: c.1177-9C>T on transcript NM_144997.7 (MANE Select); 9 bases into the intron before coding-DNA position 1177, C replaced by T.
Molecular consequence: intron variant.
Genome position (GRCh38, 1-based): chr17:17,216,512, G>A on the plus strand (C>T on the coding strand, the complement: FLCN is on the minus strand). VCF-style: chr17-17216512-G-A. GRCh37 (hg19) VCF-style: chr17-17119826-G-A.
Other names: c.1177-9C>T (NM_001353231.2, NM_001353230.2); c.1231-9C>T (NM_001353229.2).
Identifiers: ClinVar variation 1106334 (VCV001106334.8), dbSNP rs1223867814, ClinGen allele CA625014951.

ClinVar aggregate classification (germline): Likely benign. Review status: criteria provided, multiple submitters, no conflicts (2 of 4 stars). 2 submissions from 2 submitters: Likely benign (2). Last evaluated 2025-12-23.

Conditions:
Birt-Hogg-Dube syndrome. Also called: Birt Hogg Dubé syndrome. Identifiers: Orphanet 122, MedGen C0346010, MONDO:0800444.
Birt-Hogg-Dube syndrome 1 (BHD1). Also called: FIBROFOLLICULOMAS WITH TRICHODISCOMAS AND ACROCHORDONS. Identifiers: Orphanet 122, MedGen CN375946, MONDO:0800445, OMIM 135150.

Allele frequency attached by ClinVar (database versions not stated): gnomAD exomes below 0.00001; TOPMed 0.00001.
gnomAD v4.1: 3 of 1,613,662 alleles (0.00019%); highest among the groups gnomAD compares: East Asian, 0.0045%; no homozygotes.

Submissions (2):

Labcorp Genetics (formerly Invitae), Labcorp
Classification: Likely benign for Birt-Hogg-Dube syndrome. Last evaluated: 2025-12-23. Review status: criteria provided, single submitter. Criteria: Invitae Variant Classification Sherloc (09022015). Collection method: clinical testing. Allele origin: germline.

Myriad Genetics, Inc.
Classification: Likely benign for Birt-Hogg-Dube syndrome 1. Last evaluated: 2024-10-24. Review status: criteria provided, single submitter. Criteria: Myriad Autosomal Dominant, Autosomal Recessive and X-Linked Classification Criteria (2023). Collection method: clinical testing. Allele origin: unknown.
Comment: This variant is considered likely benign. This variant is intronic and is not expected to impact mRNA splicing.